The following is an entry in ClinVar:

ClinVar aggregate classification (germline): Uncertain significance. Review status: criteria provided, multiple submitters, no conflicts (2 of 4 stars). 4 submissions from 4 submitters: Uncertain significance (3). 1 of the submissions does not count toward it. Last evaluated 2025-12-09.

Conditions:
ABCC8-related disorder.
Hereditary hyperinsulinism.

Allele frequency attached by ClinVar (database versions not stated): gnomAD 0.00001 and 0.00002; gnomAD exomes 0.00001; TOPMed 0.00001.
gnomAD v4.1: 16 of 1,614,112 alleles (0.00099%); highest among the groups gnomAD compares: East Asian, 0.0022%; no homozygotes.

Submissions (4):

PreventionGenetics, part of Exact Sciences
Classification: Uncertain significance for ABCC8-related condition. Last evaluated: 2025-12-09. Review status: criteria provided, single submitter. Criteria: ACMG Guidelines, 2015. Collection method: clinical testing. Allele origin: germline.
Comment: The ABCC8 c.793C>T variant is predicted to result in the amino acid substitution p.Arg265Trp. This variant was reported in an individual with diabetes, type 1 who was positive for a second missense variant in ABCC8 (Patient 12, Table 1, Li et al. 2020. PubMed ID: 31658956). This variant has not been reported in a large population database (gnomAD), indicating this variant is rare. At this time, the clinical significance of this variant is uncertain due to the absence of conclusive functional and genetic evidence.

Labcorp Genetics (formerly Invitae), Labcorp
Classification: Uncertain significance. Last evaluated: 2025-03-31. Review status: criteria provided, single submitter. Criteria: Invitae Variant Classification Sherloc (09022015). Collection method: clinical testing. Allele origin: germline.
Comment: This sequence change replaces arginine, which is basic and polar, with tryptophan, which is neutral and slightly polar, at codon 265 of the ABCC8 protein (p.Arg265Trp). This variant is not present in population databases (gnomAD no frequency). This missense change has been observed in individual(s) with diabetes (PMID: 31658956). ClinVar contains an entry for this variant (Variation ID: 392921). Invitae Evidence Modeling of protein sequence and biophysical properties (such as structural, functional, and spatial information, amino acid conservation, physicochemical variation, residue mobility, and thermodynamic stability) has been performed for this missense variant. However, the output from this modeling did not meet the statistical confidence thresholds required to predict the impact of this variant on ABCC8 protein function. In summary, the available evidence is currently insufficient to determine the role of this variant in disease. Therefore, it has been classified as a Variant of Uncertain Significance.

GeneDx
Classification: Uncertain significance. Last evaluated: 2019-05-21. Review status: criteria provided, single submitter. Criteria: GeneDx Variant Classification Process June 2021. Collection method: clinical testing. Allele origin: germline. Affected: yes.
Comment: Not observed in large population cohorts (Lek et al., 2016); In silico analysis, which includes protein predictors and evolutionary conservation, supports a deleterious effect; Has not been previously published as pathogenic or benign to our knowledge; This variant is associated with the following publications: (PMID: 31658956)

Natera, Inc.
Classification: Uncertain significance for Hereditary hyperinsulinism. Last evaluated: 2020-11-05. Review status: no assertion criteria provided. Collection method: clinical testing. Allele origin: germline. Not counted in ClinVar's aggregate classification.

Literature cited by the submitters: PubMed 31658956 (cited by Labcorp Genetics (formerly Invitae), Labcorp).

NM_000352.6(ABCC8):c.793C>T (p.Arg265Trp)

Gene: ABCC8 (ATP binding cassette subfamily C member 8; minus strand). Cytogenetic location: 11p15.1.
Variant type: single nucleotide variant.
Coding change: c.793C>T on transcript NM_000352.6 (MANE Select); coding-DNA position 793, C replaced by T.
Protein change: p.Arg265Trp; replaces arginine 265 with tryptophan.
Molecular consequence: missense variant. On other transcripts: non-coding transcript variant (1).
Genome position (GRCh38, 1-based): chr11:17,461,612, G>A on the plus strand (C>T on the coding strand, the complement: ABCC8 is on the minus strand). VCF-style: chr11-17461612-G-A. GRCh37 (hg19) VCF-style: chr11-17483159-G-A.
Other names: c.793C>T, p.Arg265Trp (NM_001351297.2, NM_001287174.3, NM_001351295.2 and 1 more transcripts); c.793C>T (NM_000352.4); short protein forms R265W.
Identifiers: ClinVar variation 392921 (VCV000392921.7), dbSNP rs1057524701, ClinGen allele CA16605874.